The following is an entry in ClinVar:

NM_000500.9(CYP21A2):c.1333C>T (p.Arg445Ter)

Genes: CYP21A2 (cytochrome P450 family 21 subfamily A member 2; plus strand), LOC106780800 (CYP21A2 recombination region; plus strand). Cytogenetic location: 6p21.33.
Variant type: single nucleotide variant.
Coding change: c.1333C>T on transcript NM_000500.9 (MANE Select); coding-DNA position 1333, C replaced by T.
Protein change: p.Arg445Ter; replaces arginine 445 with a stop codon.
Molecular consequence: nonsense.
Genome position (GRCh38, 1-based): chr6:32,040,979, C>T. VCF-style: chr6-32040979-C-T. GRCh37 (hg19) VCF-style: chr6-32008756-C-T.
Other names: c.1243C>T, p.Arg415Ter (NM_001128590.4); c.928C>T, p.Arg310Ter (NM_001368143.2, NM_001368144.2); short protein forms R310*, R415*, R445*.
Identifiers: ClinVar variation 2136376 (VCV002136376.4), dbSNP rs1390917339, ClinGen allele CA363512232.

ClinVar aggregate classification (germline): Pathogenic (1 of 4 stars; one submission).

Submission:

Labcorp Genetics (formerly Invitae), Labcorp
Classification: Pathogenic. Last evaluated: 2023-04-23. Review status: criteria provided, single submitter. Criteria: Invitae Variant Classification Sherloc (09022015). Collection method: clinical testing. Allele origin: germline.
Comment: This sequence change creates a premature translational stop signal (p.Arg445*) in the CYP21A2 gene. While this is not anticipated to result in nonsense mediated decay, it is expected to disrupt the last 51 amino acid(s) of the CYP21A2 protein. The frequency data for this variant in the population databases (gnomAD) is considered unreliable due to the presence of homologous sequence, such as pseudogenes or paralogs, in the genome. This premature translational stop signal has been observed in individual(s) with classic salt-wasting congenital adrenal hyperplasia due to 21-hydroxylase deficiency (PMID: 16487445, 20926536). This variant is also known as R444X. ClinVar contains an entry for this variant (Variation ID: 2136376). This variant disrupts a region of the CYP21A2 protein in which other variant(s) (p.Gln482*) have been determined to be pathogenic (PMID: 24799024; Invitae). This suggests that this is a clinically significant region of the protein, and that variants that disrupt it are likely to be disease-causing. For these reasons, this variant has been classified as Pathogenic.

Literature cited by the submitters: PubMed 16487445; PubMed 20926536; PubMed 24799024.